The following is an entry in ClinVar:

ClinVar aggregate classification (germline): Uncertain significance. Review status: criteria provided, multiple submitters, no conflicts (2 of 4 stars). 2 submissions from 2 submitters: Uncertain significance (2). Last evaluated 2025-03-14.

Conditions:
Gastrointestinal stromal tumor. Also called: Gastrointestinal stromal tumor, somatic; Gastrointestinal stroma tumor. Identifiers: Orphanet 44890, MedGen C0238198, MeSH D046152, MONDO:0011719, OMIM 606764, HP:0100723.
Hereditary cancer-predisposing syndrome. Also called: Tumor predisposition; Neoplastic Syndromes, Hereditary; Hereditary neoplastic syndrome; Hereditary Cancer Syndrome. Identifiers: Orphanet 140162, MedGen C0027672, MeSH D009386, MONDO:0015356.

Submissions (2):

Ambry Genetics
Classification: Uncertain significance for Hereditary cancer-predisposing syndrome. Last evaluated: 2025-03-14. Review status: criteria provided, single submitter. Criteria: Ambry Variant Classification Scheme 2023. Collection method: clinical testing. Allele origin: germline.
Comment: The p.R686L variant (also known as c.2057G>T), located in coding exon 14 of the KIT gene, results from a G to T substitution at nucleotide position 2057. The arginine at codon 686 is replaced by leucine, an amino acid with dissimilar properties. This amino acid position is highly conserved in available vertebrate species. In addition, this alteration is predicted to be deleterious by in silico analysis. Based on the available evidence, the clinical significance of this variant remains unclear.

Labcorp Genetics (formerly Invitae), Labcorp
Classification: Uncertain significance for Gastrointestinal stromal tumor. Last evaluated: 2024-02-11. Review status: criteria provided, single submitter. Criteria: Invitae Variant Classification Sherloc (09022015). Collection method: clinical testing. Allele origin: germline.
Comment: This sequence change replaces arginine, which is basic and polar, with leucine, which is neutral and non-polar, at codon 686 of the KIT protein (p.Arg686Leu). This variant is not present in population databases (gnomAD no frequency). This variant has not been reported in the literature in individuals affected with KIT-related conditions. ClinVar contains an entry for this variant (Variation ID: 1020941). An algorithm developed to predict the effect of missense changes on protein structure and function (PolyPhen-2) suggests that this variant is likely to be disruptive. In summary, the available evidence is currently insufficient to determine the role of this variant in disease. Therefore, it has been classified as a Variant of Uncertain Significance.

NM_000222.3(KIT):c.2057G>T (p.Arg686Leu)

Gene: KIT (KIT proto-oncogene, receptor tyrosine kinase; plus strand). Cytogenetic location: 4q12.
Variant type: single nucleotide variant.
Coding change: c.2057G>T on transcript NM_000222.3 (MANE Select); coding-DNA position 2057, G replaced by T.
Protein change: p.Arg686Leu; replaces arginine 686 with leucine.
Molecular consequence: missense variant.
Genome position (GRCh38, 1-based): chr4:54,729,401, G>T. VCF-style: chr4-54729401-G-T. GRCh37 (hg19) VCF-style: chr4-55595567-G-T.
Other names: c.2045G>T, p.Arg682Leu (NM_001093772.2, NM_001385286.1); c.2060G>T, p.Arg687Leu (NM_001385284.1, NM_001385290.1); c.2057G>T, p.Arg686Leu (NM_001385285.1); c.2048G>T, p.Arg683Leu (NM_001385288.1, NM_001385292.1); short protein forms R682L, R683L, R686L, R687L.
Identifiers: ClinVar variation 1020941 (VCV001020941.12), dbSNP rs143772138, ClinGen allele CA356909549.